The following is an entry in ClinVar:

NM_000821.7(GGCX):c.2084+45G>C

Gene: GGCX (gamma-glutamyl carboxylase; minus strand). Cytogenetic location: 2p11.2.
Variant type: single nucleotide variant.
Coding change: c.2084+45G>C on transcript NM_000821.7 (MANE Select); 45 bases into the intron after coding-DNA position 2084, G replaced by C.
Molecular consequence: intron variant.
Genome position (GRCh38, 1-based): chr2:85,550,510, C>G on the plus strand (G>C on the coding strand, the complement: GGCX is on the minus strand). VCF-style: chr2-85550510-C-G. GRCh37 (hg19) VCF-style: chr2-85777633-C-G.
Other names: c.2084+45G>C (NM_000821.6); c.1913+45G>C (NM_001142269.4).
Identifiers: ClinVar variation 375657 (VCV000375657.16), dbSNP rs11676382, ClinGen allele CA1741632.

ClinVar aggregate classification (germline): Benign. Review status: criteria provided, multiple submitters, no conflicts (2 of 4 stars). 4 submissions from 4 submitters: Benign (4). Last evaluated 2026-08-24.

Conditions:
GGCX-related disorder. Also called: GGCX - Related Disorders; GGCX-related condition.

Allele frequency attached by ClinVar (database versions not stated): 1000 Genomes Project 30x 0.02467; 1000 Genomes Project 0.02556; TOPMed 0.05473; gnomAD exomes 0.05732 and 0.08650; ExAC 0.05774; gnomAD 0.05880 and 0.06070; ESP Exome Variant Server 0.06674.
gnomAD v4.1: 118,097 of 1,425,082 alleles (8.3%); highest among the groups gnomAD compares: Non-Finnish European, 10%; 5,754 homozygotes.

Submissions (4):

PreventionGenetics, part of Exact Sciences
Classification: Benign for GGCX-related condition. Last evaluated: 2026-08-24. Review status: criteria provided, single submitter. Criteria: ACMG Guidelines, 2015. Collection method: clinical testing. Allele origin: germline.
Comment: This variant is classified as benign based on ACMG/AMP sequence variant interpretation guidelines (Richards et al. 2015 PMID: 25741868, with internal and published modifications).

Labcorp Genetics (formerly Invitae), Labcorp
Classification: Benign. Last evaluated: 2026-02-04. Review status: criteria provided, single submitter. Criteria: Invitae Variant Classification Sherloc (09022015). Collection method: clinical testing. Allele origin: germline.

GeneDx
Classification: Benign. Last evaluated: 2018-07-09. Review status: criteria provided, single submitter. Criteria: GeneDx Variant Classification Process June 2021. Collection method: clinical testing. Allele origin: germline. Affected: yes.

Breakthrough Genomics
Classification: Benign. Review status: criteria provided, single submitter. Criteria: ACMG Guidelines, 2015. Collection method: not provided. Allele origin: germline. Inheritance: Autosomal recessive inheritance. Affected: yes.